The following is an entry in ClinVar:

NM_001849.4(COL6A2):c.2207A>C (p.Asp736Ala)

Gene: COL6A2 (collagen type VI alpha 2 chain; plus strand). Cytogenetic location: 21q22.3.
Variant type: single nucleotide variant.
Coding change: c.2207A>C on transcript NM_001849.4 (MANE Select); coding-DNA position 2207, A replaced by C.
Protein change: p.Asp736Ala; replaces aspartic acid 736 with alanine.
Molecular consequence: missense variant.
Genome position (GRCh38, 1-based): chr21:46,126,022, A>C. VCF-style: chr21-46126022-A-C. GRCh37 (hg19) VCF-style: chr21-47545936-A-C.
Other names: c.2207A>C, p.Asp736Ala (NM_058174.3, NM_058175.3); short protein forms D736A.
Identifiers: ClinVar variation 3344250 (VCV003344250.3).

ClinVar aggregate classification (germline): Uncertain significance. Review status: criteria provided, single submitter (1 of 4 stars). 2 submissions from 2 submitters: Uncertain significance (1). 1 of the submissions does not count toward it. Last evaluated 2024-02-09.

Conditions:
Bethlem myopathy 1A. Also called: MYOPATHY, BENIGN CONGENITAL, WITH CONTRACTURES; Bethlem myopathy 1; Bethlem Muscular Dystrophy. Identifiers: Orphanet 610, MedGen CN029274, MONDO:0024530, OMIM 158810.
COL6A2-related disorder.

Submissions (2):

Labcorp Genetics (formerly Invitae), Labcorp
Classification: Uncertain significance for Bethlem myopathy 1A. Last evaluated: 2024-02-09. Review status: criteria provided, single submitter. Criteria: Invitae Variant Classification Sherloc (09022015). Collection method: clinical testing. Allele origin: germline.
Comment: This sequence change replaces aspartic acid, which is acidic and polar, with alanine, which is neutral and non-polar, at codon 736 of the COL6A2 protein (p.Asp736Ala). This variant is not present in population databases (gnomAD no frequency). This variant has not been reported in the literature in individuals affected with COL6A2-related conditions. Advanced modeling of protein sequence and biophysical properties (such as structural, functional, and spatial information, amino acid conservation, physicochemical variation, residue mobility, and thermodynamic stability) performed at Invitae indicates that this missense variant is expected to disrupt COL6A2 protein function with a positive predictive value of 80%. In summary, the available evidence is currently insufficient to determine the role of this variant in disease. Therefore, it has been classified as a Variant of Uncertain Significance.

PreventionGenetics, part of Exact Sciences
Classification: Uncertain significance for COL6A2-related condition. Last evaluated: 2024-05-17. Review status: no assertion criteria provided. Collection method: clinical testing. Allele origin: germline. Not counted in ClinVar's aggregate classification.
Comment: The COL6A2 c.2207A>C variant is predicted to result in the amino acid substitution p.Asp736Ala. To our knowledge, this variant has not been reported in the literature or in a large population database, indicating this variant is rare. At this time, the clinical significance of this variant is uncertain due to the absence of conclusive functional and genetic evidence.